The following is an entry in ClinVar:

NM_017739.4(POMGNT1):c.1536T>C (p.Phe512=)

Genes: POMGNT1 (protein O-linked mannose N-acetylglucosaminyltransferase 1 (beta 1,2-); minus strand), TSPAN1 (tetraspanin 1; plus strand). Cytogenetic location: 1p34.1.
Variant type: single nucleotide variant.
Coding change: c.1536T>C on transcript NM_017739.4 (MANE Select); coding-DNA position 1536, T replaced by C.
Protein change: p.Phe512=; no amino-acid change (phenylalanine 512 retained).
Molecular consequence: synonymous variant.
Genome position (GRCh38, 1-based): chr1:46,192,101, A>G on the plus strand (T>C on the coding strand, the complement: POMGNT1 is on the minus strand). VCF-style: chr1-46192101-A-G. GRCh37 (hg19) VCF-style: chr1-46657773-A-G.
Other names: c.1536T>C (NM_001243766.1); c.1536T>C, p.Phe512= (NM_001243766.2, NM_001410783.1); c.1470T>C, p.Phe490= (NM_001290129.3); c.1107T>C, p.Phe369= (NM_001290130.2).
Identifiers: ClinVar variation 287396 (VCV000287396.16), dbSNP rs367596859, ClinGen allele CA833341.

ClinVar aggregate classification (germline): Conflicting classifications of pathogenicity. Review status: criteria provided, conflicting classifications (1 of 4 stars). 3 submissions from 3 submitters: Uncertain significance (1); Likely benign (2). Last evaluated 2026-01-25.

Conditions:
POMGNT1-related disorder. Also called: POMGNT1-related disorders; POMGNT1-related condition. Identifiers: MedGen CN239299.
Muscular dystrophy-dystroglycanopathy (congenital with impaired intellectual development), type B, 3. Also called: Muscular dystrophy-dystroglycanopathy (congenital with intellectual disability), type B3; MUSCULAR DYSTROPHY, CONGENITAL, POMGNT1-RELATED. Identifiers: MedGen C3150412, MONDO:0013155, OMIM 613151.
Autosomal recessive limb-girdle muscular dystrophy type 2O. Also called: MUSCULAR DYSTROPHY-DYSTROGLYCANOPATHY, LIMB-GIRDLE, POMGNT1-RELATED; Limb-Girdle Muscular Dystrophy Type 3C; MUSCULAR DYSTROPHY-DYSTROGLYCANOPATHY (LIMB-GIRDLE), TYPE C, 3. Identifiers: Orphanet 206564, MedGen C3150417, MONDO:0013161, OMIM 613157.

Allele frequency attached by ClinVar (database versions not stated): gnomAD exomes 0.00002 and 0.00001; gnomAD 0.00011 and 0.00012; 1000 Genomes Project 0.00040; 1000 Genomes Project 30x 0.00047; ExAC 0.00005; TOPMed 0.00011; ESP Exome Variant Server 0.00015.
gnomAD v4.1: 28 of 1,613,874 alleles (0.0017%); highest among the groups gnomAD compares: African/African-American, 0.033%; no homozygotes.

Submissions (3):

Labcorp Genetics (formerly Invitae), Labcorp
Classification: Likely benign for Autosomal recessive limb-girdle muscular dystrophy type 2O; Muscular dystrophy-dystroglycanopathy (congenital with impaired intellectual development), type B, 3. Last evaluated: 2026-01-25. Review status: criteria provided, single submitter. Criteria: Invitae Variant Classification Sherloc (09022015). Collection method: clinical testing. Allele origin: germline.

PreventionGenetics, part of Exact Sciences
Classification: Likely benign for POMGNT1-related condition. Last evaluated: 2025-01-08. Review status: criteria provided, single submitter. Criteria: ACMG Guidelines, 2015. Collection method: clinical testing. Allele origin: germline.
Comment: This variant is classified as likely benign based on ACMG/AMP sequence variant interpretation guidelines (Richards et al. 2015 PMID: 25741868, with internal and published modifications).

Eurofins Ntd Llc (ga)
Classification: Uncertain significance. Last evaluated: 2016-06-02. Review status: criteria provided, single submitter. Criteria: EGL Classification Definitions 2015. Collection method: clinical testing. Allele origin: germline. Observed: 1 variant allele, 1 heterozygote.